The following is an entry in ClinVar:

ClinVar aggregate classification (germline): Likely pathogenic (1 of 4 stars; one submission).

Conditions:
Retinitis pigmentosa 12 (RP12). Also called: RP WITH OR WITHOUT PPRPE; RP WITH OR WITHOUT PRESERVED PARAARTERIOLE RETINAL PIGMENT EPITHELIUM; RETINITIS PIGMENTOSA WITH OR WITHOUT PARAARTERIOLAR PRESERVATION OF RETINAL PIGMENT EPITHELIUM. Identifiers: Orphanet 791, MedGen C1838647, MONDO:0010818, OMIM 600105.
Leber congenital amaurosis 8 (LCA8). Identifiers: Orphanet 65, MedGen C3151202, MONDO:0013453, OMIM 613835.

Submission:

Labcorp Genetics (formerly Invitae), Labcorp
Classification: Likely pathogenic for Leber congenital amaurosis 8; Retinitis pigmentosa 12. Last evaluated: 2020-07-09. Review status: criteria provided, single submitter. Criteria: Invitae Variant Classification Sherloc (09022015). Collection method: clinical testing. Allele origin: germline.
Comment: In summary, the currently available evidence indicates that the variant is pathogenic, but additional data are needed to prove that conclusively. Therefore, this variant has been classified as Likely Pathogenic. Nucleotide substitutions within the consensus splice site are a relatively common cause of aberrant splicing (PMID: 17576681, 9536098). Algorithms developed to predict the effect of sequence changes on RNA splicing suggest that this variant may disrupt the consensus splice site, but this prediction has not been confirmed by published transcriptional studies. Disruption of this splice site has been observed in individual(s) with clinical features of Leber congenital amarosis (PMID: 24512366, 20683928). In at least one individual the data is consistent with the variant being in trans (on the opposite chromosome) from a pathogenic variant. This variant is not present in population databases (ExAC no frequency). This sequence change affects an acceptor splice site in the last intron (intron 11) of the CRB1 gene. While this is not anticipated to result in nonsense mediated decay, it likely alters RNA splicing and results in a disrupted protein product.

Literature cited by the submitters: PubMed 17576681; PubMed 9536098; PubMed 24512366; PubMed 20683928.

NM_201253.3(CRB1):c.4006-1G>C

Gene: CRB1 (crumbs cell polarity complex component 1; plus strand). Cytogenetic location: 1q31.3.
Variant type: single nucleotide variant.
Coding change: c.4006-1G>C on transcript NM_201253.3 (MANE Select); the canonical splice acceptor site of the intron before coding-DNA position 4006, G replaced by C.
Molecular consequence: splice acceptor variant.
Genome position (GRCh38, 1-based): chr1:197,477,663, G>C. VCF-style: chr1-197477663-G-C. GRCh37 (hg19) VCF-style: chr1-197446793-G-C.
Other names: c.3934-1G>C (NM_001257965.2); c.2398-1G>C (NM_001257966.2); c.3670-1G>C (NM_001193640.2).
Identifiers: ClinVar variation 1066043 (VCV001066043.9), dbSNP rs752804194, ClinGen allele CA344035368.
Genomic context (GRCh38, chr1:197,477,663, plus strand): 5'-TCCTGAATATTTATTTGCCTTTGCTATAGAATTCGCATCCCAATGATTTCAATCTTTCCA[G>C]TTGGCAGATGACTTGATCTCCGACATTTTCACCACTATTGGCTCAGTGACTGTCGCCTTG-3'